The following is an entry in ClinVar:

ClinVar aggregate classification (germline): Uncertain significance (1 of 4 stars; one submission).

Conditions:
Cardiovascular phenotype. Identifiers: MedGen CN230736.

Submission:

Ambry Genetics
Classification: Uncertain significance for Cardiovascular phenotype. Last evaluated: 2026-04-12. Review status: criteria provided, single submitter. Criteria: Ambry Variant Classification Scheme 2023. Collection method: clinical testing. Allele origin: germline.
Comment: The p.P729L variant (also known as c.2186C>T), located in coding exon 5 of the ALPK3 gene, results from a C to T substitution at nucleotide position 2186. The proline at codon 729 is replaced by leucine, an amino acid with similar properties. This amino acid position is conserved. In addition, the in silico prediction for this alteration is inconclusive. Based on the available evidence, the clinical significance of this variant remains unclear.

NM_020778.5(ALPK3):c.1580C>T (p.Pro527Leu)

Genes: ALPK3 (alpha kinase 3; plus strand), LOC111718493 (skeletal muscle cis-regulatory module overlapping ALPK3; plus strand). Cytogenetic location: 15q25.3.
Variant type: single nucleotide variant.
Coding change: c.1580C>T on transcript NM_020778.5 (MANE Select); coding-DNA position 1580, C replaced by T.
Protein change: p.Pro527Leu; replaces proline 527 with leucine.
Molecular consequence: missense variant.
Genome position (GRCh38, 1-based): chr15:84,840,859, C>T. VCF-style: chr15-84840859-C-T. GRCh37 (hg19) VCF-style: chr15-85384090-C-T.
Other names: short protein forms P527L.
Identifiers: ClinVar variation 4871238 (VCV004871238.1).